The following is an entry in ClinVar:

NM_001943.5(DSG2):c.1659T>A (p.Ser553Arg)

Gene: DSG2 (desmoglein 2; plus strand). Cytogenetic location: 18q12.1.
Variant type: single nucleotide variant.
Coding change: c.1659T>A on transcript NM_001943.5 (MANE Select); coding-DNA position 1659, T replaced by A.
Protein change: p.Ser553Arg; replaces serine 553 with arginine.
Molecular consequence: missense variant.
Genome position (GRCh38, 1-based): chr18:31,538,758, T>A. VCF-style: chr18-31538758-T-A. GRCh37 (hg19) VCF-style: chr18-29118721-T-A.
Other names: short protein forms S553R.
Identifiers: ClinVar variation 4757005 (VCV004757005.1).

ClinVar aggregate classification (germline): Uncertain significance (1 of 4 stars; one submission).

Conditions:
Cardiomyopathy (CMYO). Also called: Cardiomyopathies. Identifiers: Orphanet 167848, MedGen C0878544, MONDO:0004994, HP:0001638. Inheritance: Various modes of inheritance.

Submission:

Color Diagnostics, LLC DBA Color Health
Classification: Uncertain significance for Cardiomyopathy. Last evaluated: 2025-06-23. Review status: criteria provided, single submitter. Criteria: ACMG Guidelines, 2015. Collection method: clinical testing. Allele origin: germline.
Comment: This missense variant replaces serine with arginine at codon 553 of the DSG2 protein. Computational prediction suggests that this variant may not impact protein structure and function. To our knowledge, functional studies have not been reported for this variant. This variant has not been reported in individuals affected with DSG2-related disorders in the literature. This variant has not been identified in the general population by the Genome Aggregation Database (gnomAD). The available evidence is insufficient to determine the role of this variant in disease conclusively. Therefore, this variant is classified as a Variant of Uncertain Significance.